The following is an entry in ClinVar:

ClinVar aggregate classification (germline): Uncertain significance (1 of 4 stars; one submission).

Conditions:
Catecholaminergic polymorphic ventricular tachycardia 1. Also called: VENTRICULAR TACHYCARDIA, STRESS-INDUCED POLYMORPHIC 1; RYR2-Related Catecholaminergic Polymorphic Ventricular Tachycardia; VENTRICULAR TACHYCARDIA, CATECHOLAMINERGIC POLYMORPHIC, 1, WITH OR WITHOUT ATRIAL DYSFUNCTION AND/OR DILATED CARDIOMYOPATHY. Identifiers: Orphanet 3286, MedGen C1631597, MONDO:0011484, OMIM 604772.

gnomAD v4.1: 1 of 1,607,912 alleles (0.000062%); highest among the groups gnomAD compares: Non-Finnish European, 0.000085%; no homozygotes.

Submission:

Labcorp Genetics (formerly Invitae), Labcorp
Classification: Uncertain significance for Catecholaminergic polymorphic ventricular tachycardia 1. Last evaluated: 2025-03-13. Review status: criteria provided, single submitter. Criteria: Invitae Variant Classification Sherloc (09022015). Collection method: clinical testing. Allele origin: germline.
Comment: This sequence change replaces glycine, which is neutral and non-polar, with glutamic acid, which is acidic and polar, at codon 622 of the RYR2 protein (p.Gly622Glu). This variant is not present in population databases (gnomAD no frequency). This variant has not been reported in the literature in individuals affected with RYR2-related conditions. Invitae Evidence Modeling of protein sequence and biophysical properties (such as structural, functional, and spatial information, amino acid conservation, physicochemical variation, residue mobility, and thermodynamic stability) indicates that this missense variant is expected to disrupt RYR2 protein function with a positive predictive value of 95%. In summary, the available evidence is currently insufficient to determine the role of this variant in disease. Therefore, it has been classified as a Variant of Uncertain Significance.

NM_001035.3(RYR2):c.1865G>A (p.Gly622Glu)

Gene: RYR2 (ryanodine receptor 2; plus strand). Cytogenetic location: 1q43.
Variant type: single nucleotide variant.
Coding change: c.1865G>A on transcript NM_001035.3 (MANE Select); coding-DNA position 1865, G replaced by A.
Protein change: p.Gly622Glu; replaces glycine 622 with glutamic acid.
Molecular consequence: missense variant.
Genome position (GRCh38, 1-based): chr1:237,492,991, G>A. VCF-style: chr1-237492991-G-A. GRCh37 (hg19) VCF-style: chr1-237656291-G-A.
Other names: short protein forms G622E.
Identifiers: ClinVar variation 4800057 (VCV004800057.1).